The following is an entry in ClinVar:

ClinVar aggregate classification (germline): Uncertain significance. Review status: criteria provided, multiple submitters, no conflicts (2 of 4 stars). 2 submissions from 2 submitters: Uncertain significance (2). Last evaluated 2025-09-03.

Conditions:
Inborn genetic diseases. Identifiers: MedGen C0950123, MeSH D030342.

Allele frequency attached by ClinVar (database versions not stated): gnomAD exomes below 0.00001; ExAC 0.00001.
gnomAD v4.1: 5 of 1,613,850 alleles (0.00031%); highest among the groups gnomAD compares: East Asian, 0.0022%; no homozygotes.

Submissions (2):

Ambry Genetics
Classification: Uncertain significance for Inborn genetic diseases. Last evaluated: 2025-09-03. Review status: criteria provided, single submitter. Criteria: Ambry Variant Classification Scheme 2023. Collection method: clinical testing. Allele origin: germline.

CeGaT Center for Human Genetics Tuebingen
Classification: Uncertain significance. Last evaluated: 2024-05-01. Review status: criteria provided, single submitter. Criteria: CeGaT Center For Human Genetics Tuebingen Variant Classification Criteria Version 2. Collection method: clinical testing. Allele origin: germline. Affected: yes. Observed: 1 variant allele.
Comment: TRIP12: PM2, PP2

NM_001348323.3(TRIP12):c.5407C>T (p.Arg1803Trp)

Gene: TRIP12 (thyroid hormone receptor interactor 12; minus strand). Cytogenetic location: 2q36.3.
Variant type: single nucleotide variant.
Coding change: c.5407C>T on transcript NM_001348323.3 (MANE Select); coding-DNA position 5407, C replaced by T.
Protein change: p.Arg1803Trp; replaces arginine 1803 with tryptophan.
Molecular consequence: missense variant.
Genome position (GRCh38, 1-based): chr2:229,777,437, G>A on the plus strand (C>T on the coding strand, the complement: TRIP12 is on the minus strand). VCF-style: chr2-229777437-G-A. GRCh37 (hg19) VCF-style: chr2-230642153-G-A.
Other names: c.5326C>T, p.Arg1776Trp (NM_001284214.2, NM_001348315.2); c.5281C>T, p.Arg1761Trp (NM_001284215.2, NM_001348316.2); c.4372C>T, p.Arg1458Trp (NM_001284216.2); c.5266C>T, p.Arg1756Trp (NM_001348317.1, NM_001348318.2); c.5392C>T, p.Arg1798Trp (NM_001348319.1, NM_001348320.2); c.5395C>T, p.Arg1799Trp (NM_001348321.1); c.5407C>T, p.Arg1803Trp (NM_001348322.1, NM_001348324.2, NM_001348325.2 and 2 more transcripts); c.5410C>T, p.Arg1804Trp (NM_001348328.1, NM_001348329.2, NM_001348330.2); and 5 more; short protein forms R1458W, R1728W, R1729W, R1756W, R1761W, R1769W, R1776W, R1777W.
Identifiers: ClinVar variation 3239469 (VCV003239469.20), dbSNP rs752354696.
Genomic context (GRCh38, chr2:229,777,437, plus strand): 5'-ATCTGGCTACAACTGGGTCGATGTCAAACAAATCGTGTGATGTCAGTGAAGTTTCTTGCC[G>A]TAGCATCCATTTATAAAAGGGTAAGCCAAGGGGAAGGTCCACCTGAAATGGAATATGCAT-3'
Protein context (NP_001335252.1, residues 1793-1813): LGLPFYKWML[Arg1803Trp]QETSLTSHDL